The following is an entry in ClinVar:

NM_144643.4(SCLT1):c.1513A>G (p.Asn505Asp)

Gene: SCLT1 (sodium channel and clathrin linker 1; minus strand). Cytogenetic location: 4q28.2.
Variant type: single nucleotide variant.
Coding change: c.1513A>G on transcript NM_144643.4 (MANE Select); coding-DNA position 1513, A replaced by G.
Protein change: p.Asn505Asp; replaces asparagine 505 with aspartic acid.
Molecular consequence: missense variant.
Genome position (GRCh38, 1-based): chr4:128,943,115, T>C on the plus strand (A>G on the coding strand, the complement: SCLT1 is on the minus strand). VCF-style: chr4-128943115-T-C. GRCh37 (hg19) VCF-style: chr4-129864270-T-C.
Other names: c.1513A>G (NM_144643.3); short protein forms N505D.
Identifiers: ClinVar variation 1436882 (VCV001436882.7), dbSNP rs572560518, ClinGen allele CA3079597.
Genomic context (GRCh38, chr4:128,943,115, plus strand): 5'-TCCGTAACTGTTTATTTTCTTGCTGAAGTTTTAGCCTTTGTTCACTGACAAGCCCACAGT[T>C]CTCTCTCTCAGACTCCAATACATTTTGAAGTTTCTGAATCATTTCTTGGTAACGTGATAT-3'
Protein context (NP_653244.2, residues 495-515): LQNVLESERE[Asn505Asp]CGLVSEQRLK

ClinVar aggregate classification (germline): Uncertain significance. Review status: criteria provided, multiple submitters, no conflicts (2 of 4 stars). 2 submissions from 2 submitters: Uncertain significance (2). Last evaluated 2025-09-06.

Conditions:
SCLT1-related disorder. Also called: SCLT1-related condition.

Allele frequency attached by ClinVar (database versions not stated): ExAC 0.00002; gnomAD exomes 0.00005 and 0.00013; TOPMed 0.00006; gnomAD 0.00007 and 0.00008.
gnomAD v4.1: 193 of 1,611,768 alleles (0.012%); highest among the groups gnomAD compares: Non-Finnish European, 0.016%; no homozygotes.

Submissions (2):

PreventionGenetics, part of Exact Sciences
Classification: Uncertain significance for SCLT1-related condition. Last evaluated: 2025-09-06. Review status: criteria provided, single submitter. Criteria: ACMG Guidelines, 2015. Collection method: clinical testing. Allele origin: germline.
Comment: The SCLT1 c.1513A>G variant is predicted to result in the amino acid substitution p.Asn505Asp. To our knowledge, this variant has not been reported in the literature. This variant is reported in 0.012% of alleles in individuals of European (Non-Finnish) descent in gnomAD. At this time, the clinical significance of this variant is uncertain due to the absence of conclusive functional and genetic evidence.

Labcorp Genetics (formerly Invitae), Labcorp
Classification: Uncertain significance. Last evaluated: 2023-06-30. Review status: criteria provided, single submitter. Criteria: Invitae Variant Classification Sherloc (09022015). Collection method: clinical testing. Allele origin: germline.
Comment: In summary, the available evidence is currently insufficient to determine the role of this variant in disease. Therefore, it has been classified as a Variant of Uncertain Significance. An algorithm developed to predict the effect of missense changes on protein structure and function (PolyPhen-2) suggests that this variant¬†is likely to be tolerated. ClinVar contains an entry for this variant (Variation ID: 1436882). This variant has not been reported in the literature in individuals affected with SCLT1-related conditions. This variant is present in population databases (rs572560518, gnomAD 0.01%). This sequence change replaces asparagine, which is neutral and polar, with aspartic acid, which is acidic and polar, at codon 505 of the SCLT1 protein (p.Asn505Asp).